The following is an entry in ClinVar:

NM_018124.4(RFWD3):c.205_206dup (p.Leu70fs)

Gene: RFWD3 (ring finger and WD repeat domain 3; minus strand). Cytogenetic location: 16q23.1.
Variant type: Duplication.
Coding change: c.205_206dup on transcript NM_018124.4 (MANE Select); coding-DNA positions 205 to 206, 2 bases duplicated (CT; older notation c.205_206dupCT).
Protein change: p.Leu70fs; shifts the reading frame from leucine 70.
Molecular consequence: frameshift variant. On other transcripts: 5 prime UTR variant (4), intron variant (1).
Genome position (GRCh38, 1-based): chr16:74,661,244-74,661,245, AG duplicated on the plus strand (CT on the coding strand, the reverse complement: RFWD3 is on the minus strand). VCF-style (leftmost placement, unchanged base first): chr16-74661243-C-CAG. GRCh37 (hg19) VCF-style: chr16-74695141-C-CAG.
Other names: c.205_206dup, p.Leu70fs (NM_001370534.1, NM_001370535.1, NM_001370536.1); c.-804_-803dup (NM_001370537.1); c.-427_-426dup (NM_001370539.1); c.-681_-680dup (NM_001370542.1); c.-559_-558dup (NM_001370543.1); c.-317+3379_-317+3380dup (NM_001370540.1); short protein forms L70fs.
Identifiers: ClinVar variation 929582 (VCV000929582.1), dbSNP rs1961408684, ClinGen allele CA1139664821.

ClinVar aggregate classification (germline): Pathogenic (0 of 4 stars; one submission).

Submission:

Leiden Open Variation Database
Classification: Pathogenic. Last evaluated: 2017-09-08. Review status: no assertion criteria provided. Collection method: curation. Allele origin: germline. Affected: yes.
Comment: Curator: Arleen D. Auerbach. Submitter to LOVD: Johan den Dunnen.

Literature cited by the submitters: PubMed 28691929.